The following is an entry in ClinVar:

NM_015559.3(SETBP1):c.405G>T (p.Gln135His)

Gene: SETBP1 (SET binding protein 1; plus strand). Cytogenetic location: 18q12.3.
Variant type: single nucleotide variant.
Coding change: c.405G>T on transcript NM_015559.3 (MANE Select); coding-DNA position 405, G replaced by T.
Protein change: p.Gln135His; replaces glutamine 135 with histidine.
Molecular consequence: missense variant.
Genome position (GRCh38, 1-based): chr18:44,701,751, G>T. VCF-style: chr18-44701751-G-T. GRCh37 (hg19) VCF-style: chr18-42281716-G-T.
Other names: c.405G>T, p.Gln135His (NM_001130110.2, NM_001379141.1, NM_001379142.1 and 1 more transcripts); short protein forms Q135H.
Identifiers: ClinVar variation 2091894 (VCV002091894.4), dbSNP rs2511333941, ClinGen allele CA402482112.

ClinVar aggregate classification (germline): Uncertain significance (1 of 4 stars; one submission).

Submission:

Labcorp Genetics (formerly Invitae), Labcorp
Classification: Uncertain significance. Last evaluated: 2024-11-18. Review status: criteria provided, single submitter. Criteria: Invitae Variant Classification Sherloc (09022015). Collection method: clinical testing. Allele origin: germline.
Comment: This sequence change replaces glutamine, which is neutral and polar, with histidine, which is basic and polar, at codon 135 of the SETBP1 protein (p.Gln135His). This variant is not present in population databases (gnomAD no frequency). This variant has not been reported in the literature in individuals affected with SETBP1-related conditions. ClinVar contains an entry for this variant (Variation ID: 2091894). An algorithm developed to predict the effect of missense changes on protein structure and function (PolyPhen-2) suggests that this variant is likely to be disruptive. In summary, the available evidence is currently insufficient to determine the role of this variant in disease. Therefore, it has been classified as a Variant of Uncertain Significance.